The following is an entry in ClinVar:

ClinVar aggregate classification (germline): Benign (1 of 4 stars; one submission).

Allele frequency attached by ClinVar (database versions not stated): TOPMed 0.02151; 1000 Genomes Project 0.02356; 1000 Genomes Project 30x 0.02545.
gnomAD v4.1: 2,873 of 152,304 alleles (1.9%); highest among the groups gnomAD compares: African/African-American, 6.5%; 103 homozygotes.

Submission:

GeneDx
Classification: Benign. Last evaluated: 2018-06-14. Review status: criteria provided, single submitter. Criteria: GeneDx Variant Classification (06012015). Collection method: clinical testing. Allele origin: germline. Affected: yes.
Comment: This variant is considered likely benign or benign based on one or more of the following criteria: it is a conservative change, it occurs at a poorly conserved position in the protein, it is predicted to be benign by multiple in silico algorithms, and/or has population frequency not consistent with disease.

NM_000053.4(ATP7B):c.4022-158G>C

Gene: ATP7B (ATPase copper transporting beta; minus strand). Cytogenetic location: 13q14.3.
Variant type: single nucleotide variant.
Coding change: c.4022-158G>C on transcript NM_000053.4 (MANE Select); 158 bases into the intron before coding-DNA position 4022, G replaced by C.
Molecular consequence: intron variant.
Genome position (GRCh38, 1-based): chr13:51,935,853, C>G on the plus strand (G>C on the coding strand, the complement: ATP7B is on the minus strand). VCF-style: chr13-51935853-C-G. GRCh37 (hg19) VCF-style: chr13-52509989-C-G.
Other names: c.3689-158G>C (NM_001243182.2); c.3401-158G>C (NM_001005918.3); c.3770-158G>C (NM_001330579.2); c.3788-158G>C (NM_001330578.2).
Identifiers: ClinVar variation 680999 (VCV000680999.1), dbSNP rs74085867, ClinGen allele CA250072308.